The following is an entry in ClinVar:

ClinVar aggregate classification (germline): Conflicting classifications of pathogenicity. Review status: criteria provided, conflicting classifications (1 of 4 stars). 5 submissions from 5 submitters: Uncertain significance (4); Likely benign (1). Last evaluated 2026-02-17.

Conditions:
Cardiomyopathy (CMYO). Also called: Cardiomyopathies. Identifiers: Orphanet 167848, MedGen C0878544, MONDO:0004994, HP:0001638. Inheritance: Various modes of inheritance.
Hypertrophic cardiomyopathy 1 (CMH1). Also called: MYH7-Related Familial Hypertrophic Cardiomyopathy; Familial hypertrophic cardiomyopathy 1. Identifiers: MedGen C3495498, MONDO:0008647, OMIM 192600.

Allele frequency attached by ClinVar (database versions not stated): gnomAD 0.00003; gnomAD exomes 0.00004 and 0.00005; TOPMed 0.00004; ExAC 0.00007; ESP Exome Variant Server 0.00015.

Submissions (5):

Women's Health and Genetics/Laboratory Corporation of America, LabCorp
Classification: Likely benign. Last evaluated: 2026-02-17. Review status: criteria provided, single submitter. Criteria: LabCorp Variant Classification Summary - May 2015. Collection method: clinical testing. Allele origin: germline.
Comment: Variant summary: MYLK2 c.1626C>A (p.Asn542Lys) results in a non-conservative amino acid change in the encoded protein sequence. Algorithms developed to predict the effect of missense changes on protein structure and function are either unavailable or do not agree on the potential impact of this missense change. The variant allele was found at a frequency of 4.7e-05 in 235514 control chromosomes (gnomAD). The observed variant frequency exceeds the estimated maximal expected allele frequency for disease-causing variants in MYLK2. To our knowledge, no occurrence of c.1626C>A in individuals affected with MYLK2-related conditions and no experimental evidence demonstrating its impact on protein function have been reported. ClinVar contains an entry for this variant (Variation ID: 580295). Based on the evidence outlined above, the variant was classified as likely benign.

Ambry Genetics
Classification: Uncertain significance. Last evaluated: 2025-04-05. Review status: criteria provided, single submitter. Criteria: Ambry Variant Classification Scheme 2023. Collection method: clinical testing. Allele origin: germline.

Labcorp Genetics (formerly Invitae), Labcorp
Classification: Uncertain significance for Hypertrophic cardiomyopathy 1. Last evaluated: 2024-12-19. Review status: criteria provided, single submitter. Criteria: Invitae Variant Classification Sherloc (09022015). Collection method: clinical testing. Allele origin: germline.
Comment: This sequence change replaces asparagine, which is neutral and polar, with lysine, which is basic and polar, at codon 542 of the MYLK2 protein (p.Asn542Lys). This variant is present in population databases (rs368444888, gnomAD 0.01%). This variant has not been reported in the literature in individuals affected with MYLK2-related conditions. ClinVar contains an entry for this variant (Variation ID: 580295). Invitae Evidence Modeling of protein sequence and biophysical properties (such as structural, functional, and spatial information, amino acid conservation, physicochemical variation, residue mobility, and thermodynamic stability) indicates that this missense variant is not expected to disrupt MYLK2 protein function with a negative predictive value of 80%. In summary, the available evidence is currently insufficient to determine the role of this variant in disease. Therefore, it has been classified as a Variant of Uncertain Significance.

GeneDx
Classification: Uncertain significance. Last evaluated: 2020-02-05. Review status: criteria provided, single submitter. Criteria: GeneDx Variant Classification Process June 2021. Collection method: clinical testing. Allele origin: germline. Affected: yes.
Comment: Has not been previously published as pathogenic or benign to our knowledge; Reported in ClinVar as a variant of uncertain significance (ClinVar Variant ID#580295; Landrum et al., 2016); In silico analysis supports that this missense variant has a deleterious effect on protein structure/function

CHEO Genetics Diagnostic Laboratory, Children's Hospital of Eastern Ontario
Classification: Uncertain significance for Cardiomyopathy. Last evaluated: 2016-04-21. Review status: criteria provided, single submitter. Criteria: ACMG Guidelines, 2015. Collection method: clinical testing. Allele origin: germline. Study: Canadian Open Genetics Repository.

NM_033118.4(MYLK2):c.1626C>A (p.Asn542Lys)

Gene: MYLK2 (myosin light chain kinase 2; plus strand). Cytogenetic location: 20q11.21.
Variant type: single nucleotide variant.
Coding change: c.1626C>A on transcript NM_033118.4 (MANE Select); coding-DNA position 1626, C replaced by A.
Protein change: p.Asn542Lys; replaces asparagine 542 with lysine.
Molecular consequence: missense variant.
Genome position (GRCh38, 1-based): chr20:31,832,052, C>A. VCF-style: chr20-31832052-C-A. GRCh37 (hg19) VCF-style: chr20-30419855-C-A.
Other names: short protein forms N542K.
Identifiers: ClinVar variation 580295 (VCV000580295.17), dbSNP rs368444888, ClinGen allele CA9803281.